The following is an entry in ClinVar:

NM_032520.5(GNPTG):c.339C>T (p.Ile113=)

Gene: GNPTG (N-acetylglucosamine-1-phosphate transferase subunit gamma; plus strand). Cytogenetic location: 16p13.3.
Variant type: single nucleotide variant.
Coding change: c.339C>T on transcript NM_032520.5 (MANE Select); coding-DNA position 339, C replaced by T.
Protein change: p.Ile113=; no amino-acid change (isoleucine 113 retained).
Molecular consequence: synonymous variant.
Genome position (GRCh38, 1-based): chr16:1,362,059, C>T. VCF-style: chr16-1362059-C-T. GRCh37 (hg19) VCF-style: chr16-1412060-C-T.
Identifiers: ClinVar variation 765298 (VCV000765298.48), dbSNP rs147048228, ClinGen allele CA7807644.
Genomic context (GRCh38, chr16:1,362,059, plus strand): 5'-CCCCACCCGGCCTCACGTGCCGTGCCCGTGTCTCCCCAGCATCTGGCACGAGTGGGAGAT[C>T]GCCAACAACACCTTCACGGGCATGTGGATGAGGGACGGTGACGCCTGCCGTTCCCGGAGC-3'
Protein context (NP_115909.1, residues 103-123): GILGIWHEWE[Ile113=]ANNTFTGMWM

ClinVar aggregate classification (germline): Likely benign. Review status: criteria provided, multiple submitters, no conflicts (2 of 4 stars). 5 submissions from 5 submitters: Likely benign (3). 2 of the submissions do not count toward it. Last evaluated 2025-12-16.

Conditions:
GNPTG-related disorder. Also called: GNPTG-related condition.
GNPTG-mucolipidosis. Also called: Mucolipidosis type III gamma; ML III GAMMA; ML IIIC; MUCOLIPIDOSIS III, COMPLEMENTATION GROUP C; MUCOLIPIDOSIS III, IRANIAN VARIANT FORM; MUCOLIPIDOSIS III, VARIANT FORM. Identifiers: Orphanet 423470, Orphanet 577, MedGen C1854896, MONDO:0009652, OMIM 252605.

Allele frequency attached by ClinVar (database versions not stated): TOPMed 0.00011; ESP Exome Variant Server 0.00046.
gnomAD v4.1: 228 of 1,612,348 alleles (0.014%); highest among the groups gnomAD compares: Non-Finnish European, 0.016%; 1 homozygote.

Submissions (5):

Labcorp Genetics (formerly Invitae), Labcorp
Classification: Likely benign. Last evaluated: 2025-12-16. Review status: criteria provided, single submitter. Criteria: Invitae Variant Classification Sherloc (09022015). Collection method: clinical testing. Allele origin: germline.

Blueprint Genetics
Classification: Likely benign. Last evaluated: 2024-09-12. Review status: criteria provided, single submitter. Criteria: ACMG Guidelines, 2015. Collection method: clinical testing. Allele origin: germline.

CeGaT Center for Human Genetics Tuebingen
Classification: Likely benign. Last evaluated: 2021-07-01. Review status: criteria provided, single submitter. Criteria: CeGaT Center For Human Genetics Tuebingen Variant Classification Criteria Version 2. Collection method: clinical testing. Allele origin: germline. Affected: yes. Observed: 1 variant allele.

Natera, Inc.
Classification: Uncertain significance for Mucolipidosis III gamma. Last evaluated: 2020-01-24. Review status: no assertion criteria provided. Collection method: clinical testing. Allele origin: germline. Not counted in ClinVar's aggregate classification.

PreventionGenetics, part of Exact Sciences
Classification: Likely benign for GNPTG-related condition. Last evaluated: 2020-01-15. Review status: no assertion criteria provided. Collection method: clinical testing. Allele origin: germline. Not counted in ClinVar's aggregate classification.
Comment: This variant is classified as likely benign based on ACMG/AMP sequence variant interpretation guidelines (Richards et al. 2015 PMID: 25741868, with internal and published modifications).